The following is an entry in ClinVar:

ClinVar aggregate classification (germline): Pathogenic. Review status: criteria provided, multiple submitters, no conflicts (2 of 4 stars). 3 submissions from 3 submitters: Pathogenic (3). Last evaluated 2024-07-29.

Conditions:
Breast-ovarian cancer, familial, susceptibility to, 2 (BROVCA2). Also called: BRCA2 Hereditary Breast and Ovarian Cancer. Identifiers: Orphanet 145, MedGen C2675520, MONDO:0012933, OMIM 612555. Disease mechanism: loss of function.
Hereditary cancer-predisposing syndrome. Also called: Hereditary neoplastic syndrome; Hereditary Cancer Syndrome; Tumor predisposition; Neoplastic Syndromes, Hereditary. Identifiers: Orphanet 140162, MedGen C0027672, MeSH D009386, MONDO:0015356.

Submissions (3):

Ambry Genetics
Classification: Pathogenic for Hereditary cancer-predisposing syndrome. Last evaluated: 2024-07-29. Review status: criteria provided, single submitter. Criteria: Ambry Variant Classification Scheme 2023. Collection method: clinical testing. Allele origin: germline.
Comment: The p.E2004* pathogenic mutation (also known as c.6010G>T), located in coding exon 10 of the BRCA2 gene, results from a G to T substitution at nucleotide position 6010. This changes the amino acid from a glutamic acid to a stop codon within coding exon 10. This variant was detected in 1/910 Turkish breast and ovarian cancer patients (Solmaz AE et al. Cancer Genet, 2020 Feb;241:20-24). This variant is considered to be rare based on population cohorts in the Genome Aggregation Database (gnomAD). This alteration is expected to result in loss of function by premature protein truncation or nonsense-mediated mRNA decay. As such, this alteration is interpreted as a disease-causing mutation.

Quest Diagnostics Nichols Institute San Juan Capistrano
Classification: Pathogenic. Last evaluated: 2023-06-28. Review status: criteria provided, single submitter. Criteria: Quest Diagnostics criteria. Collection method: clinical testing. Allele origin: unknown.
Comment: The BRCA2 c.6010G>T (p.Glu2004*) variant causes the premature termination of BRCA2 protein synthesis. This variant has been reported in the published literature in an individual with a personal history of breast and/or ovarian cancer (PMID: 31954625 (2020)). This variant has not been reported in large, multi-ethnic general populations (Genome Aggregation Database). Based on the available information, this variant is classified as pathogenic.

Myriad Genetics, Inc.
Classification: Pathogenic for Breast-ovarian cancer, familial, susceptibility to, 2. Last evaluated: 2023-01-18. Review status: criteria provided, single submitter. Criteria: Myriad Autosomal Dominant, Autosomal Recessive and X-Linked Classification Criteria (2023). Collection method: clinical testing. Allele origin: unknown.
Comment: This variant is considered pathogenic. This variant creates a termination codon and is predicted to result in premature protein truncation.

Literature cited by the submitters: PubMed 31954625 (cited by Ambry Genetics and Quest Diagnostics Nichols Institute San Juan Capistrano); PubMed 32599251 (cited by Quest Diagnostics Nichols Institute San Juan Capistrano).

NM_000059.4(BRCA2):c.6010G>T (p.Glu2004Ter)

Gene: BRCA2 (BRCA2 DNA repair associated; plus strand). Cytogenetic location: 13q13.1.
Variant type: single nucleotide variant.
Coding change: c.6010G>T on transcript NM_000059.4 (MANE Select); coding-DNA position 6010, G replaced by T.
Protein change: p.Glu2004Ter; replaces glutamic acid 2004 with a stop codon.
Molecular consequence: nonsense.
Genome position (GRCh38, 1-based): chr13:32,340,365, G>T. VCF-style: chr13-32340365-G-T. GRCh37 (hg19) VCF-style: chr13-32914502-G-T.
Other names: c.6010G>T (NM_000059.3); short protein forms E2004*.
Identifiers: ClinVar variation 2431305 (VCV002431305.3), dbSNP rs2137523213, ClinGen allele CA387787697.